The following is an entry in ClinVar:

ClinVar aggregate classification (germline): Uncertain significance. Review status: criteria provided, multiple submitters, no conflicts (2 of 4 stars). 2 submissions from 2 submitters: Uncertain significance (2). Last evaluated 2025-05-14.

Allele frequency attached by ClinVar (database versions not stated): gnomAD 0.00001.
gnomAD v4.1: 4 of 1,521,778 alleles (0.00026%); highest among the groups gnomAD compares: East Asian, 0.0025%; no homozygotes.

Submissions (2):

Labcorp Genetics (formerly Invitae), Labcorp
Classification: Uncertain significance. Last evaluated: 2025-05-14. Review status: criteria provided, single submitter. Criteria: Invitae Variant Classification Sherloc (09022015). Collection method: clinical testing. Allele origin: germline.
Comment: This sequence change replaces proline, which is neutral and non-polar, with serine, which is neutral and polar, at codon 31 of the LOX protein (p.Pro31Ser). The frequency data for this variant in the population databases is considered unreliable, as metrics indicate poor data quality at this position in the gnomAD database. This variant has not been reported in the literature in individuals affected with LOX-related conditions. ClinVar contains an entry for this variant (Variation ID: 3063923). Invitae Evidence Modeling of protein sequence and biophysical properties (such as structural, functional, and spatial information, amino acid conservation, physicochemical variation, residue mobility, and thermodynamic stability) indicates that this missense variant is not expected to disrupt LOX protein function with a negative predictive value of 95%. In summary, the available evidence is currently insufficient to determine the role of this variant in disease. Therefore, it has been classified as a Variant of Uncertain Significance.

Women's Health and Genetics/Laboratory Corporation of America, LabCorp
Classification: Uncertain significance. Last evaluated: 2024-01-15. Review status: criteria provided, single submitter. Criteria: LabCorp Variant Classification Summary - May 2015. Collection method: clinical testing. Allele origin: germline.

NM_002317.7(LOX):c.91C>T (p.Pro31Ser)

Genes: LOX (lysyl oxidase; minus strand), SRFBP1 (serum response factor binding protein 1; plus strand). Cytogenetic location: 5q23.1.
Variant type: single nucleotide variant.
Coding change: c.91C>T on transcript NM_002317.7 (MANE Select); coding-DNA position 91, C replaced by T.
Protein change: p.Pro31Ser; replaces proline 31 with serine.
Molecular consequence: missense variant.
Genome position (GRCh38, 1-based): chr5:122,077,895, G>A on the plus strand (C>T on the coding strand, the complement: LOX is on the minus strand). VCF-style: chr5-122077895-G-A. GRCh37 (hg19) VCF-style: chr5-121413590-G-A.
Other names: short protein forms P31S.
Identifiers: ClinVar variation 3063923 (VCV003063923.2), dbSNP rs1307475150, ClinGen allele CA360878479.
Genomic context (GRCh38, chr5:122,077,895, plus strand): 5'-TGTTCTCCCATTGGATCTGCTGGCGCCAGGCGCCCGGAGCCGCCGGCGGCTCGCGCGGGG[G>A]CTGCTGTTGGCCGGCGGCGGGAGGGGCGCAGTGCACTAGCGCGCAGAGCTGCAAAGGCCC-3'
Protein context (NP_002308.2, residues 21-41): CAPPAAGQQQ[Pro31Ser]PREPPAAPGA